The following is an entry in ClinVar:

NM_018089.3(ANKZF1):c.194C>G (p.Pro65Arg)

Gene: ANKZF1 (ankyrin repeat and zinc finger peptidyl tRNA hydrolase 1; plus strand). Cytogenetic location: 2q35.
Variant type: single nucleotide variant.
Coding change: c.194C>G on transcript NM_018089.3 (MANE Select); coding-DNA position 194, C replaced by G.
Protein change: p.Pro65Arg; replaces proline 65 with arginine.
Molecular consequence: missense variant. On other transcripts: intron variant (1).
Genome position (GRCh38, 1-based): chr2:219,231,973, C>G. VCF-style: chr2-219231973-C-G. GRCh37 (hg19) VCF-style: chr2-220096695-C-G.
Other names: c.-266-517C>G (NM_001282792.2); c.194C>G, p.Pro65Arg (NM_001042410.2); short protein forms P65R.
Identifiers: ClinVar variation 2851281 (VCV002851281.3), dbSNP rs1304529179, ClinGen allele CA350672082.

ClinVar aggregate classification (germline): Uncertain significance (1 of 4 stars; one submission).

Allele frequency attached by ClinVar (database versions not stated): gnomAD exomes below 0.00001.

Submission:

Labcorp Genetics (formerly Invitae), Labcorp
Classification: Uncertain significance. Last evaluated: 2023-10-13. Review status: criteria provided, single submitter. Criteria: Invitae Variant Classification Sherloc (09022015). Collection method: clinical testing. Allele origin: germline.
Comment: This sequence change replaces proline, which is neutral and non-polar, with arginine, which is basic and polar, at codon 65 of the ANKZF1 protein (p.Pro65Arg). This variant is present in population databases (no rsID available, gnomAD 0.003%). This variant has not been reported in the literature in individuals affected with ANKZF1-related conditions. An algorithm developed to predict the effect of missense changes on protein structure and function (PolyPhen-2) suggests that this variant is likely to be tolerated. In summary, the available evidence is currently insufficient to determine the role of this variant in disease. Therefore, it has been classified as a Variant of Uncertain Significance.